The following is an entry in ClinVar:

ClinVar aggregate classification (germline): Uncertain significance (3 of 4 stars; one submission).

Conditions:
Open-angle glaucoma. Identifiers: MedGen C0017612, MONDO:0005338, HP:0012108.

Allele frequency attached by ClinVar (database versions not stated): gnomAD exomes below 0.00001; TOPMed below 0.00001.
gnomAD v4.1: 1 of 1,614,132 alleles (0.000062%); highest among the groups gnomAD compares: African/African-American, 0.0013%; no homozygotes.

Submission:

ClinGen Glaucoma Variant Curation Expert Panel
Classification: Uncertain significance for Open-angle glaucoma. Last evaluated: 2026-01-12. Review status: reviewed by expert panel. Criteria: ClinGen Glaucoma ACMG Specifications V2.0.0 Approved. Collection method: curation. Allele origin: germline. Inheritance: Autosomal dominant inheritance.
Comment: The c.1179C>G variant in MYOC is a missense variant predicted to cause substitution of Serine by Arginine at amino acid 393 (p.Ser393Arg). The highest minor allele frequency of this variant was in the African/African American genetic ancestry group of gnomAD (v4.1.0) = 0.00001333 (1 allele out of 75,022), which met the ≤ 0.0001 threshold set for PM2_Supporting in a genetic ancestry group of at least 10,000 alleles. The REVEL score = 0.768, which was within the 0.644-0.772 range for PP3, predicting a damaging effect on MYOC function. There was no functional evidence predicting a damaging or benign impact of this variant on MYOC function. 2 probands with primary open angle glaucoma have been reported carrying this variant (PMIDs: 22933836, 10196380), which met PS4_Supporting (≥ 2 probands). In summary, this variant met the criteria to receive a score of 3 and to be classified as a variant of uncertain significance (uncertain significance classification range -1 to 5, adapted from PMID: 32720330) for primary open angle glaucoma based on the ACMG/AMP criteria met, as specified by the ClinGen Glaucoma VCEP (v2.0.0, 5 Dec 2024): PP3, PS4_Supporting, PM2_Supporting.

NM_000261.2(MYOC):c.1179C>G (p.Ser393Arg)

Gene: MYOC (myocilin; minus strand). Cytogenetic location: 1q24.3.
Variant type: single nucleotide variant.
Coding change: c.1179C>G on transcript NM_000261.2 (MANE Select); coding-DNA position 1179, C replaced by G.
Protein change: p.Ser393Arg; replaces serine 393 with arginine.
Molecular consequence: missense variant.
Genome position (GRCh38, 1-based): chr1:171,636,261, G>C on the plus strand (C>G on the coding strand, the complement: MYOC is on the minus strand). VCF-style: chr1-171636261-G-C. GRCh37 (hg19) VCF-style: chr1-171605401-G-C.
Other names: NM_000261.2:c.1179C>G; short protein forms S393R.
Identifiers: ClinVar variation 1723164 (VCV001723164.1), dbSNP rs998968146, ClinGen allele CA32685671.